The following is an entry in ClinVar:

ClinVar aggregate classification (germline): Uncertain significance. Review status: criteria provided, multiple submitters, no conflicts (2 of 4 stars). 2 submissions from 2 submitters: Uncertain significance (2). Last evaluated 2026-05-04.

Allele frequency attached by ClinVar (database versions not stated): gnomAD exomes 0.00002; ExAC 0.00004; gnomAD 0.00002; TOPMed 0.00004; ESP Exome Variant Server 0.00009.
gnomAD v4.1: 23 of 1,206,850 alleles (0.0019%); highest among the groups gnomAD compares: African/African-American, 0.012%; no homozygotes.

Submissions (2):

Women's Health and Genetics/Laboratory Corporation of America, LabCorp
Classification: Uncertain significance. Last evaluated: 2026-05-04. Review status: criteria provided, single submitter. Criteria: LabCorp Variant Classification Summary - May 2015. Collection method: clinical testing. Allele origin: germline.
Comment: Variant summary: AMER1 c.532C>T (p.Arg178Cys) results in a non-conservative amino acid change in the encoded protein sequence. Algorithms developed to predict the effect of missense changes on protein structure and function are either unavailable or do not agree on the potential impact of this missense change. The variant allele was found at a frequency of 3.4e-05 in 178731 control chromosomes. The available data on variant occurrences in the general population are insufficient to allow any conclusion about variant significance. To our knowledge, no occurrence of c.532C>T in individuals affected with AMER1-related conditions and no experimental evidence demonstrating its impact on protein function have been reported. ClinVar contains an entry for this variant (Variation ID: 1916822). Based on the evidence outlined above, the variant was classified as uncertain significance.

Labcorp Genetics (formerly Invitae), Labcorp
Classification: Uncertain significance. Last evaluated: 2024-09-16. Review status: criteria provided, single submitter. Criteria: Invitae Variant Classification Sherloc (09022015). Collection method: clinical testing. Allele origin: germline.
Comment: This sequence change replaces arginine, which is basic and polar, with cysteine, which is neutral and slightly polar, at codon 178 of the AMER1 protein (p.Arg178Cys). This variant is present in population databases (rs376626895, gnomAD 0.005%), including at least one homozygous and/or hemizygous individual. This variant has not been reported in the literature in individuals affected with AMER1-related conditions. ClinVar contains an entry for this variant (Variation ID: 1916822). An algorithm developed to predict the effect of missense changes on protein structure and function (PolyPhen-2) suggests that this variant is likely to be disruptive. In summary, the available evidence is currently insufficient to determine the role of this variant in disease. Therefore, it has been classified as a Variant of Uncertain Significance.

NM_152424.4(AMER1):c.532C>T (p.Arg178Cys)

Gene: AMER1 (APC membrane recruitment protein 1; minus strand). Cytogenetic location: Xq11.2.
Variant type: single nucleotide variant.
Coding change: c.532C>T on transcript NM_152424.4 (MANE Select); coding-DNA position 532, C replaced by T.
Protein change: p.Arg178Cys; replaces arginine 178 with cysteine.
Molecular consequence: missense variant.
Genome position (GRCh38, 1-based): chrX:64,192,755, G>A on the plus strand (C>T on the coding strand, the complement: AMER1 is on the minus strand). VCF-style: chrX-64192755-G-A. GRCh37 (hg19) VCF-style: chrX-63412635-G-A.
Other names: short protein forms R178C.
Identifiers: ClinVar variation 1916822 (VCV001916822.6), dbSNP rs376626895, ClinGen allele CA10432463.
Genomic context (GRCh38, chrX:64,192,755, plus strand): 5'-CAGGCCCCTTGGCCCCTGGCTCACTTTGCTCAGCCCCAGTGACCTTGCTCTTCCGGTGAC[G>A]GCGGATACTGCTAAAAAAGCCTTTTAGGCCTTTCTTTGGCTTGGGCATAGAGGGAAACTT-3'
Protein context (NP_689637.3, residues 168-188): GLKGFFSSIR[Arg178Cys]HRKSKVTGAE